The following is an entry in ClinVar:

ClinVar aggregate classification (germline): Likely benign. Review status: criteria provided, multiple submitters, no conflicts (2 of 4 stars). 4 submissions from 4 submitters: Likely benign (4). Last evaluated 2026-01-23.

Conditions:
Alstrom syndrome (ALMS). Identifiers: Orphanet 64, MedGen C0268425, MONDO:0008763, OMIM 203800.

Allele frequency attached by ClinVar (database versions not stated): gnomAD exomes 0.00003 and 0.00004; ExAC 0.00008; ESP Exome Variant Server 0.00009; gnomAD 0.00027 and 0.00029; TOPMed 0.00031; 1000 Genomes Project 30x 0.00062.

Submissions (4):

Labcorp Genetics (formerly Invitae), Labcorp
Classification: Likely benign for Alstrom syndrome. Last evaluated: 2026-01-23. Review status: criteria provided, single submitter. Criteria: Invitae Variant Classification Sherloc (09022015). Collection method: clinical testing. Allele origin: germline.

Blueprint Genetics
Classification: Likely benign. Last evaluated: 2022-11-17. Review status: criteria provided, single submitter. Criteria: ACMG Guidelines, 2015. Collection method: clinical testing. Allele origin: germline.

Fulgent Genetics
Classification: Likely benign for Alstrom syndrome. Last evaluated: 2022-02-01. Review status: criteria provided, single submitter. Criteria: ACMG Guidelines, 2015. Collection method: clinical testing. Allele origin: unknown.

GeneDx
Classification: Likely benign. Last evaluated: 2018-01-12. Review status: criteria provided, single submitter. Criteria: GeneDx Variant Classification (06012015). Collection method: clinical testing. Allele origin: germline. Affected: yes.
Comment: This variant is considered likely benign or benign based on one or more of the following criteria: it is a conservative change, it occurs at a poorly conserved position in the protein, it is predicted to be benign by multiple in silico algorithms, and/or has population frequency not consistent with disease.

NM_001378454.1(ALMS1):c.9781+19del

Gene: ALMS1 (ALMS1 centrosome and basal body associated protein; plus strand). Cytogenetic location: 2p13.1.
Variant type: Deletion.
Coding change: c.9781+19del on transcript NM_001378454.1 (MANE Select); 19 bases into the intron after coding-DNA position 9781, one base deleted (A; older notation c.9781+19delA).
Molecular consequence: intron variant.
Genome position (GRCh38, 1-based): chr2:73,520,035, A deleted. VCF-style (leftmost placement, unchanged base first): chr2-73520034-CA-C. GRCh37 (hg19) VCF-style: chr2-73747161-CA-C.
Other names: c.9781+19del (NM_015120.4); c.9784+19delA (NM_015120.4).
Identifiers: ClinVar variation 514520 (VCV000514520.11), dbSNP rs751238172, ClinGen allele CA1714770.